The following is an entry in ClinVar:

ClinVar aggregate classification (germline): Uncertain significance (1 of 4 stars; one submission).

Allele frequency attached by ClinVar (database versions not stated): TOPMed 0.00001; gnomAD 0.00002 and 0.00003; ESP Exome Variant Server 0.00008.
gnomAD v4.1: 18 of 1,613,926 alleles (0.0011%); highest among the groups gnomAD compares: South Asian, 0.0055%; no homozygotes.

Submission:

Labcorp Genetics (formerly Invitae), Labcorp
Classification: Uncertain significance. Last evaluated: 2024-02-16. Review status: criteria provided, single submitter. Criteria: Invitae Variant Classification Sherloc (09022015). Collection method: clinical testing. Allele origin: germline.
Comment: This sequence change replaces asparagine, which is neutral and polar, with serine, which is neutral and polar, at codon 796 of the AP3D1 protein (p.Asn796Ser). This variant is present in population databases (rs369181607, gnomAD 0.01%). This variant has not been reported in the literature in individuals affected with AP3D1-related conditions. ClinVar contains an entry for this variant (Variation ID: 1401727). An algorithm developed to predict the effect of missense changes on protein structure and function (PolyPhen-2) suggests that this variant is likely to be tolerated. In summary, the available evidence is currently insufficient to determine the role of this variant in disease. Therefore, it has been classified as a Variant of Uncertain Significance.

NM_001261826.3(AP3D1):c.2387A>G (p.Asn796Ser)

Gene: AP3D1 (adaptor related protein complex 3 subunit delta 1; minus strand). Cytogenetic location: 19p13.3.
Variant type: single nucleotide variant.
Coding change: c.2387A>G on transcript NM_001261826.3 (MANE Select); coding-DNA position 2387, A replaced by G.
Protein change: p.Asn796Ser; replaces asparagine 796 with serine.
Molecular consequence: missense variant.
Genome position (GRCh38, 1-based): chr19:2,114,784, T>C on the plus strand (A>G on the coding strand, the complement: AP3D1 is on the minus strand). VCF-style: chr19-2114784-T-C. GRCh37 (hg19) VCF-style: chr19-2114783-T-C.
Other names: c.2387A>G, p.Asn796Ser (NM_001374799.1, NM_003938.8); short protein forms N796S.
Identifiers: ClinVar variation 1401727 (VCV001401727.6), dbSNP rs369181607, ClinGen allele CA9058885.